The following is an entry in ClinVar:

NM_001267550.2(TTN):c.15225T>G (p.Pro5075=)

Gene: TTN (titin; minus strand). Cytogenetic location: 2q31.2.
Variant type: single nucleotide variant.
Coding change: c.15225T>G on transcript NM_001267550.2 (MANE Select); coding-DNA position 15225, T replaced by G.
Protein change: p.Pro5075=; no amino-acid change (proline 5075 retained).
Molecular consequence: synonymous variant. On other transcripts: intron variant (3).
Genome position (GRCh38, 1-based): chr2:178,734,599, A>C on the plus strand (T>G on the coding strand, the complement: TTN is on the minus strand). VCF-style: chr2-178734599-A-C. GRCh37 (hg19) VCF-style: chr2-179599326-A-C.
Other names: c.13282+3483T>G (NM_003319.4); c.13858+3483T>G (NM_133437.4); c.13657+3483T>G (NM_133432.3); c.14274T>G, p.Pro4758= (NM_001256850.1); c.11493T>G, p.Pro3831= (NM_133378.4).
Identifiers: ClinVar variation 4076500 (VCV004076500.1).

ClinVar aggregate classification (germline): Likely benign (1 of 4 stars; one submission).

Submission:

Molecular Diagnostic Laboratory for Inherited Cardiovascular Disease, Montreal Heart Institute
Classification: Likely benign. Last evaluated: 2025-07-24. Review status: criteria provided, single submitter. Criteria: ACMG Guidelines, 2015. Collection method: clinical testing. Allele origin: germline. Affected: no.
Comment: BP7